The following is an entry in ClinVar:

ClinVar aggregate classification (germline): Conflicting classifications of pathogenicity. Review status: criteria provided, conflicting classifications (1 of 4 stars). 3 submissions from 3 submitters: Likely pathogenic (2); Uncertain significance (1). Last evaluated 2022-04-09.

Conditions:
Pyruvate kinase deficiency of red cells (CNSHA2). Also called: Pyruvate kinase deficiency, Amish type; PK DEFICIENCY; PYRUVATE KINASE DEFICIENCY OF ERYTHROCYTE. Identifiers: Orphanet 766, MedGen C0340968, MONDO:0009950, OMIM 266200.

Submissions (3):

Labcorp Genetics (formerly Invitae), Labcorp
Classification: Likely pathogenic. Last evaluated: 2022-04-09. Review status: criteria provided, single submitter. Criteria: Invitae Variant Classification Sherloc (09022015). Collection method: clinical testing. Allele origin: germline.
Comment: This missense change has been observed in individual(s) with clinical features of pyruvate kinase deficiency (PMID: 10354117, 27871768). In at least one individual the data is consistent with being in trans (on the opposite chromosome) from a pathogenic variant. In summary, the currently available evidence indicates that the variant is pathogenic, but additional data are needed to prove that conclusively. Therefore, this variant has been classified as Likely Pathogenic. Algorithms developed to predict the effect of missense changes on protein structure and function are either unavailable or do not agree on the potential impact of this missense change (SIFT: "Tolerated"; PolyPhen-2: "Probably Damaging"; Align-GVGD: "Class C0"). ClinVar contains an entry for this variant (Variation ID: 994383). This variant is not present in population databases (gnomAD no frequency). This sequence change replaces glycine, which is neutral and non-polar, with alanine, which is neutral and non-polar, at codon 557 of the PKLR protein (p.Gly557Ala).

ARUP Laboratories, Molecular Genetics and Genomics, ARUP Laboratories
Classification: Uncertain significance. Last evaluated: 2019-08-22. Review status: criteria provided, single submitter. Criteria: ARUP Molecular Germline Variant Investigation Process. Collection method: clinical testing. Allele origin: germline.

Clinical Genetics Service, Universitary Hospital 12 de Octubre
Classification: Likely pathogenic for Pyruvate kinase deficiency of red cells. Review status: criteria provided, single submitter. Criteria: ACMG Guidelines, 2015. Collection method: clinical testing. Allele origin: germline. Affected: yes.

Literature cited by the submitters: PubMed 10354117 (cited by Labcorp Genetics (formerly Invitae), Labcorp); PubMed 27871768 (cited by Labcorp Genetics (formerly Invitae), Labcorp).

NM_000298.6(PKLR):c.1670G>C (p.Gly557Ala)

Gene: PKLR (pyruvate kinase L/R; minus strand). Cytogenetic location: 1q22.
Variant type: single nucleotide variant.
Coding change: c.1670G>C on transcript NM_000298.6 (MANE Select); coding-DNA position 1670, G replaced by C.
Protein change: p.Gly557Ala; replaces glycine 557 with alanine.
Molecular consequence: missense variant.
Genome position (GRCh38, 1-based): chr1:155,290,627, C>G on the plus strand (G>C on the coding strand, the complement: PKLR is on the minus strand). VCF-style: chr1-155290627-C-G. GRCh37 (hg19) VCF-style: chr1-155260418-C-G.
Other names: c.1577G>C, p.Gly526Ala (NM_181871.4); c.1670G>C (NM_000298.5); short protein forms G526A, G557A.
Identifiers: ClinVar variation 994383 (VCV000994383.15), dbSNP rs1674489086, ClinGen allele CA342748374.